The following is an entry in ClinVar:

NM_000277.3(PAH):c.877T>A (p.Leu293Met)

Genes: PAH (phenylalanine hydroxylase; minus strand), LOC126861615 (CDK7 strongly-dependent group 2 enhancer GRCh37_chr12:103244689-103245888; plus strand). Cytogenetic location: 12q23.2.
Variant type: single nucleotide variant.
Coding change: c.877T>A on transcript NM_000277.3 (MANE Select); coding-DNA position 877, T replaced by A.
Protein change: p.Leu293Met; replaces leucine 293 with methionine.
Molecular consequence: missense variant.
Genome position (GRCh38, 1-based): chr12:102,851,722, A>T on the plus strand (T>A on the coding strand, the complement: PAH is on the minus strand). VCF-style: chr12-102851722-A-T. GRCh37 (hg19) VCF-style: chr12-103245500-A-T.
Other names: NM_000277.1:c.877T>A; c.877T>A, p.Leu293Met (NM_001354304.2); short protein forms L293M.
Identifiers: ClinVar variation 4540589 (VCV004540589.1).

ClinVar aggregate classification (germline): Likely pathogenic (3 of 4 stars; one submission).

Conditions:
Phenylketonuria (PKU). Also called: FOLLING DISEASE; OLIGOPHRENIA PHENYLPYRUVICA; Phenylketonurias; Phenylketonuria (PKU). Identifiers: Orphanet 716, MedGen C0031485, MONDO:0009861, OMIM 261600. Disease mechanism: loss of function.

Submission:

ClinGen PAH Variant Curation Expert Panel
Classification: Likely pathogenic for Phenylketonuria. Last evaluated: 2024-09-06. Review status: reviewed by expert panel. Criteria: ClinGen PAH ACMG Specifications v1. Collection method: curation. Allele origin: germline. Inheritance: Autosomal recessive inheritance.
Comment: The c.877T>A (p.Leu293Met) variant in PAH has been reported in 1 individual with classical PKU (BH4 deficiency excluded, detected with pathogenic variant IVS4-1G>A (PMID: 15503242). This variant is absent in population databases. Computational evidence support a deleterious effect (REVEL=0.742). In vitro PAH activity of L293M mutant is 41% of wild type (PMID: 16253218). In summary, this variant meets criteria to be classified as likely pathogenic for PAH. PAH-specific ACMG/AMP criteria applied: PP4_moderate, PM2_supporting, PM3_supporting, PS3_supporting, PP3.

Literature cited by the submitters: PubMed 16253218; PubMed 17924342; PubMed 15503242.